The following is an entry in ClinVar:

NM_004360.5(CDH1):c.2053G>T (p.Val685Leu)

Gene: CDH1 (cadherin 1; plus strand). Cytogenetic location: 16q22.1.
Variant type: single nucleotide variant.
Coding change: c.2053G>T on transcript NM_004360.5 (MANE Select); coding-DNA position 2053, G replaced by T.
Protein change: p.Val685Leu; replaces valine 685 with leucine.
Molecular consequence: missense variant.
Genome position (GRCh38, 1-based): chr16:68,823,515, G>T. VCF-style: chr16-68823515-G-T. GRCh37 (hg19) VCF-style: chr16-68857418-G-T.
Other names: c.1870G>T, p.Val624Leu (NM_001317184.2); c.505G>T, p.Val169Leu (NM_001317185.2); c.88G>T, p.Val30Leu (NM_001317186.2); short protein forms V169L, V624L, V685L, V30L.
Identifiers: ClinVar variation 2587429 (VCV002587429.2), dbSNP rs550612843, ClinGen allele CA396467754.
Genomic context (GRCh38, chr16:68,823,515, plus strand): 5'-ATCAATCTCAAGCTCATGGATAACCAGAATAAAGACCAAGTGACCACCTTAGAGGTCAGC[G>T]TGTGTGACTGTGAAGGGGCCGCTGGCGTCTGTAGGAAGGCACAGCCTGTCGAAGCAGGAT-3'
Protein context (NP_004351.1, residues 675-695): KDQVTTLEVS[Val685Leu]CDCEGAAGVC

ClinVar aggregate classification (germline): Uncertain significance (1 of 4 stars; one submission).

Conditions:
Hereditary cancer-predisposing syndrome. Also called: Tumor predisposition; Hereditary Cancer Syndrome; Hereditary neoplastic syndrome; Neoplastic Syndromes, Hereditary. Identifiers: Orphanet 140162, MedGen C0027672, MeSH D009386, MONDO:0015356.

Submission:

Ambry Genetics
Classification: Uncertain significance for Hereditary cancer-predisposing syndrome. Last evaluated: 2023-07-22. Review status: criteria provided, single submitter. Criteria: Ambry Variant Classification Scheme 2023. Collection method: clinical testing. Allele origin: germline.
Comment: The p.V685L variant (also known as c.2053G>T), located in coding exon 13 of the CDH1 gene, results from a G to T substitution at nucleotide position 2053. The valine at codon 685 is replaced by leucine, an amino acid with highly similar properties. This amino acid position is highly conserved in available vertebrate species. In addition, the in silico prediction for this alteration is inconclusive. Since supporting evidence is limited at this time, the clinical significance of this alteration remains unclear.